The following is an entry in ClinVar:

ClinVar aggregate classification (germline): Likely benign (1 of 4 stars; one submission).

Allele frequency attached by ClinVar (database versions not stated): TOPMed below 0.00001.
gnomAD v4.1: 5 of 1,613,174 alleles (0.00031%); highest among the groups gnomAD compares: Admixed American, 0.0017%; no homozygotes.

Submission:

CeGaT Center for Human Genetics Tuebingen
Classification: Likely benign. Last evaluated: 2023-01-01. Review status: criteria provided, single submitter. Criteria: CeGaT Center For Human Genetics Tuebingen Variant Classification Criteria Version 2. Collection method: clinical testing. Allele origin: germline. Affected: yes. Observed: 1 variant allele.
Comment: VPS13C: BP4, BP7

NM_020821.3(VPS13C):c.4326A>C (p.Ser1442=)

Gene: VPS13C (vacuolar protein sorting 13 homolog C; minus strand). Cytogenetic location: 15q22.2.
Variant type: single nucleotide variant.
Coding change: c.4326A>C on transcript NM_020821.3 (MANE Select); coding-DNA position 4326, A replaced by C.
Protein change: p.Ser1442=; no amino-acid change (serine 1442 retained).
Molecular consequence: synonymous variant.
Genome position (GRCh38, 1-based): chr15:61,951,954, T>G on the plus strand (A>C on the coding strand, the complement: VPS13C is on the minus strand). VCF-style: chr15-61951954-T-G. GRCh37 (hg19) VCF-style: chr15-62244153-T-G.
Other names: c.4326A>C, p.Ser1442= (NM_001018088.3); c.4197A>C, p.Ser1399= (NM_017684.5, NM_018080.4).
Identifiers: ClinVar variation 2498616 (VCV002498616.28), dbSNP rs752674455, ClinGen allele CA490645801.